The following is an entry in ClinVar:

ClinVar aggregate classification (germline): Uncertain significance. Review status: criteria provided, multiple submitters, no conflicts (2 of 4 stars). 2 submissions from 2 submitters: Uncertain significance (2). Last evaluated 2025-08-12.

Submissions (2):

GeneDx
Classification: Uncertain significance. Last evaluated: 2025-08-12. Review status: criteria provided, single submitter. Criteria: GeneDx Variant Classification Process June 2021. Collection method: clinical testing. Allele origin: germline. Affected: yes.
Comment: In silico analysis suggests that this missense variant does not alter protein structure/function; Has not been previously published as pathogenic or benign to our knowledge

Labcorp Genetics (formerly Invitae), Labcorp
Classification: Uncertain significance. Last evaluated: 2025-03-24. Review status: criteria provided, single submitter. Criteria: Invitae Variant Classification Sherloc (09022015). Collection method: clinical testing. Allele origin: germline.
Comment: This sequence change replaces methionine, which is neutral and non-polar, with threonine, which is neutral and polar, at codon 191 of the P2RX2 protein (p.Met191Thr). This variant is present in population databases (no rsID available, gnomAD 0.008%). This variant has not been reported in the literature in individuals affected with P2RX2-related conditions. ClinVar contains an entry for this variant (Variation ID: 3383574). Invitae Evidence Modeling of protein sequence and biophysical properties (such as structural, functional, and spatial information, amino acid conservation, physicochemical variation, residue mobility, and thermodynamic stability) indicates that this missense variant is not expected to disrupt P2RX2 protein function with a negative predictive value of 80%. In summary, the available evidence is currently insufficient to determine the role of this variant in disease. Therefore, it has been classified as a Variant of Uncertain Significance.

NM_170682.4(P2RX2):c.572T>C (p.Met191Thr)

Gene: P2RX2 (purinergic receptor P2X 2; plus strand). Cytogenetic location: 12q24.33.
Variant type: single nucleotide variant.
Coding change: c.572T>C on transcript NM_170682.4 (MANE Select); coding-DNA position 572, T replaced by C.
Protein change: p.Met191Thr; replaces methionine 191 with threonine.
Molecular consequence: missense variant. On other transcripts: synonymous variant (1).
Genome position (GRCh38, 1-based): chr12:132,620,284, T>C. VCF-style: chr12-132620284-T-C. GRCh37 (hg19) VCF-style: chr12-133196870-T-C.
Other names: c.465T>C, p.Asp155= (NM_001282164.2); c.572T>C, p.Met191Thr (NM_001282165.2, NM_170683.4, NM_174873.3); c.356T>C, p.Met119Thr (NM_012226.5); c.500T>C, p.Met167Thr (NM_016318.4); c.296T>C, p.Met99Thr (NM_174872.3); short protein forms M119T, M167T, M191T, M99T.
Identifiers: ClinVar variation 3383574 (VCV003383574.3).